The following is an entry in ClinVar:

NM_031935.3(HMCN1):c.13669A>G (p.Asn4557Asp)

Gene: HMCN1 (hemicentin 1; plus strand). Cytogenetic location: 1q31.1.
Variant type: single nucleotide variant.
Coding change: c.13669A>G on transcript NM_031935.3 (MANE Select); coding-DNA position 13669, A replaced by G.
Protein change: p.Asn4557Asp; replaces asparagine 4557 with aspartic acid.
Molecular consequence: missense variant.
Genome position (GRCh38, 1-based): chr1:186,137,584, A>G. VCF-style: chr1-186137584-A-G. GRCh37 (hg19) VCF-style: chr1-186106716-A-G.
Other names: c.13669A>G (NM_031935.2); short protein forms N4557D.
Identifiers: ClinVar variation 2189576 (VCV002189576.5), dbSNP rs761861868, ClinGen allele CA1294709.

ClinVar aggregate classification (germline): Uncertain significance. Review status: criteria provided, multiple submitters, no conflicts (2 of 4 stars). 2 submissions from 2 submitters: Uncertain significance (2). Last evaluated 2025-07-31.

Allele frequency attached by ClinVar (database versions not stated): ExAC 0.00002; gnomAD 0.00002; TOPMed 0.00003; gnomAD exomes 0.00005.
gnomAD v4.1: 72 of 1,613,858 alleles (0.0045%); highest among the groups gnomAD compares: Middle Eastern, 0.033%; no homozygotes.

Submissions (2):

Labcorp Genetics (formerly Invitae), Labcorp
Classification: Uncertain significance. Last evaluated: 2025-07-31. Review status: criteria provided, single submitter. Criteria: Invitae Variant Classification Sherloc (09022015). Collection method: clinical testing. Allele origin: germline.
Comment: This sequence change replaces asparagine, which is neutral and polar, with aspartic acid, which is acidic and polar, at codon 4557 of the HMCN1 protein (p.Asn4557Asp). This variant is present in population databases (rs761861868, gnomAD 0.005%). This variant has not been reported in the literature in individuals affected with HMCN1-related conditions. ClinVar contains an entry for this variant (Variation ID: 2189576). An algorithm developed to predict the effect of missense changes on protein structure and function outputs the following: PolyPhen-2: "Possibly Damaging". The aspartic acid amino acid residue is found in multiple mammalian species, which suggests that this missense change does not adversely affect protein function. In summary, the available evidence is currently insufficient to determine the role of this variant in disease. Therefore, it has been classified as a Variant of Uncertain Significance.

Ambry Genetics
Classification: Uncertain significance. Last evaluated: 2024-03-15. Review status: criteria provided, single submitter. Criteria: Ambry Variant Classification Scheme 2023. Collection method: clinical testing. Allele origin: germline.